The following is an entry in ClinVar:

NM_017950.4(CCDC40):c.93+6del

Gene: CCDC40 (coiled-coil domain 40 molecular ruler complex subunit; plus strand). Cytogenetic location: 17q25.3.
Variant type: Deletion.
Coding change: c.93+6del on transcript NM_017950.4 (MANE Select); 6 bases into the intron after coding-DNA position 93, one base deleted (A; older notation c.93+6delA).
Molecular consequence: intron variant.
Genome position (GRCh38, 1-based): chr17:80,038,192, A deleted; the last of 4 consecutive A bases (chr17:80,038,189-80,038,192); deleting any one gives the same sequence. VCF-style (leftmost placement, unchanged base first): chr17-80038188-TA-T. GRCh37 (hg19) VCF-style: chr17-78011987-TA-T.
Other names: c.93+6del (NM_001243342.2, NM_001330508.2).
Identifiers: ClinVar variation 4750539 (VCV004750539.1).
Genomic context (GRCh38, chr17:80,038,188, plus strand): 5'-ATCCGGAAGATGGATCGGCTTCTGAGGGAGAGAAGGAAGGGAATAATGAAAGCCACATGG[TA>T]AAATTCCCTATGGGCAGTTATTCCGGGCTTATATTTACTAGGAATTAAAGAGAATCAGAG-3'

ClinVar aggregate classification (germline): Uncertain significance (1 of 4 stars; one submission).

Conditions:
Primary ciliary dyskinesia. Also called: Ciliary dyskinesia. Identifiers: Orphanet 244, MedGen C0008780, MONDO:0016575, HP:0012265.

Submission:

Labcorp Genetics (formerly Invitae), Labcorp
Classification: Uncertain significance for Primary ciliary dyskinesia. Last evaluated: 2025-08-18. Review status: criteria provided, single submitter. Criteria: Invitae Variant Classification Sherloc (09022015). Collection method: clinical testing. Allele origin: germline.
Comment: This sequence change falls in intron 2 of the CCDC40 gene. It does not directly change the encoded amino acid sequence of the CCDC40 protein. It affects a nucleotide within the consensus splice site. This variant is not present in population databases (gnomAD no frequency). This variant has not been reported in the literature in individuals affected with CCDC40-related conditions. Variants that disrupt the consensus splice site are a relatively common cause of aberrant splicing (PMID: 17576681, 9536098). Algorithms developed to predict the effect of sequence changes on RNA splicing suggest that this variant is not likely to affect RNA splicing. In summary, the available evidence is currently insufficient to determine the role of this variant in disease. Therefore, it has been classified as a Variant of Uncertain Significance.

Literature cited by the submitters: PubMed 17576681; PubMed 9536098.